The following is an entry in ClinVar:

NM_001318734.2(KLC2):c.1436G>A (p.Arg479His)

Gene: KLC2 (kinesin light chain 2; plus strand). Cytogenetic location: 11q13.2.
Variant type: single nucleotide variant.
Coding change: c.1436G>A on transcript NM_001318734.2 (MANE Select); coding-DNA position 1436, G replaced by A.
Protein change: p.Arg479His; replaces arginine 479 with histidine.
Molecular consequence: missense variant.
Genome position (GRCh38, 1-based): chr11:66,265,756, G>A. VCF-style: chr11-66265756-G-A. GRCh37 (hg19) VCF-style: chr11-66033227-G-A.
Other names: c.1205G>A, p.Arg402His (NM_001134774.2); c.1436G>A, p.Arg479His (NM_001134775.2, NM_001134776.2, NM_022822.3); c.1436G>A (NM_001134775.1); short protein forms R402H, R479H.
Identifiers: ClinVar variation 3898153 (VCV003898153.7).

ClinVar aggregate classification (germline): Uncertain significance. Review status: criteria provided, multiple submitters, no conflicts (2 of 4 stars). 2 submissions from 2 submitters: Uncertain significance (2). Last evaluated 2025-11-13.

gnomAD v4.1: 133 of 1,613,328 alleles (0.0082%); highest among the groups gnomAD compares: South Asian, 0.11%; no homozygotes.

Submissions (2):

Ambry Genetics
Classification: Uncertain significance. Last evaluated: 2025-11-13. Review status: criteria provided, single submitter. Criteria: Ambry Variant Classification Scheme 2023. Collection method: clinical testing. Allele origin: germline.

CeGaT Center for Human Genetics Tuebingen
Classification: Uncertain significance. Last evaluated: 2025-04-01. Review status: criteria provided, single submitter. Criteria: CeGaT Center For Human Genetics Tuebingen Variant Classification Criteria Version 2. Collection method: clinical testing. Allele origin: germline. Affected: yes. Observed: 1 variant allele.
Comment: KLC2: PM2, PP3